The following is an entry in ClinVar:

ClinVar aggregate classification (germline): Likely benign (1 of 4 stars; one submission).

Allele frequency attached by ClinVar (database versions not stated): TOPMed 0.00151; ExAC 0.00167; 1000 Genomes Project 30x 0.00094; 1000 Genomes Project 0.00100; gnomAD 0.00133; ESP Exome Variant Server 0.00146; gnomAD exomes 0.00218.
gnomAD v4.1: 3,266 of 1,579,416 alleles (0.21%); highest among the groups gnomAD compares: Non-Finnish European, 0.26%; 6 homozygotes.

Submission:

CeGaT Center for Human Genetics Tuebingen
Classification: Likely benign. Last evaluated: 2022-06-01. Review status: criteria provided, single submitter. Criteria: CeGaT Center For Human Genetics Tuebingen Variant Classification Criteria Version 2. Collection method: clinical testing. Allele origin: germline. Affected: yes. Observed: 1 variant allele.
Comment: FOXD2: BP4, BP7

NM_004474.4(FOXD2):c.360G>A (p.Ala120=)

Gene: FOXD2 (forkhead box D2; plus strand). Cytogenetic location: 1p33.
Variant type: single nucleotide variant.
Coding change: c.360G>A on transcript NM_004474.4 (MANE Select); coding-DNA position 360, G replaced by A.
Protein change: p.Ala120=; no amino-acid change (alanine 120 retained).
Molecular consequence: synonymous variant.
Genome position (GRCh38, 1-based): chr1:47,438,495, G>A. VCF-style: chr1-47438495-G-A. GRCh37 (hg19) VCF-style: chr1-47904167-G-A.
Identifiers: ClinVar variation 2638808 (VCV002638808.24), dbSNP rs145909683, ClinGen allele CA843054.
Genomic context (GRCh38, chr1:47,438,495, plus strand): 5'-CGCCGCGGCGGCCCGCGGCGCAGCGGGGCCCGGGCCGGGACCGCCGTCGGGGGGCGCGGC[G>A]ACGCGGAGCCCGCTGGTGAAGCCGCCCTACTCGTACATCGCGCTCATCACCATGGCCATC-3'
Protein context (NP_004465.3, residues 110-130): PGPGPPSGGA[Ala120=]TRSPLVKPPY